The following is an entry in ClinVar:

NM_001374385.1(ATP8B1):c.698+20C>T

Gene: ATP8B1 (ATPase phospholipid transporting 8B1; minus strand). Cytogenetic location: 18q21.31.
Variant type: single nucleotide variant.
Coding change: c.698+20C>T on transcript NM_001374385.1 (MANE Select); 20 bases into the intron after coding-DNA position 698, C replaced by T.
Molecular consequence: intron variant.
Genome position (GRCh38, 1-based): chr18:57,697,598, G>A on the plus strand (C>T on the coding strand, the complement: ATP8B1 is on the minus strand). VCF-style: chr18-57697598-G-A. GRCh37 (hg19) VCF-style: chr18-55364830-G-A.
Other names: p.?; c.698+20C>T (NM_005603.6); c.548+20C>T (NM_001374386.1).
Identifiers: ClinVar variation 259827 (VCV000259827.15), dbSNP rs319439, ClinGen allele CA8974750.

ClinVar aggregate classification (germline): Benign. Review status: criteria provided, multiple submitters, no conflicts (2 of 4 stars). 9 submissions from 8 submitters: Benign (9). Last evaluated 2026-04-14.

Conditions:
Progressive familial intrahepatic cholestasis type 1. Also called: BYLER DISEASE; Byler's disease; Severe ATP8B1 Deficiency (Progressive Familial Intrahepatic Cholestasis Type 1 [PFIC1]). Identifiers: Orphanet 79306, MedGen C4551898, MONDO:0008892, OMIM 211600.
Cholestasis, intrahepatic, of pregnancy, 1 (ICP1). Also called: CHOLESTASIS, PREGNANCY-RELATED, 1. Identifiers: Orphanet 69665, MedGen C3549845, MONDO:0007829, OMIM 147480.
Familial intrahepatic cholestasis. Identifiers: Orphanet 284385, MedGen CN296401, MONDO:0017290.

Allele frequency attached by ClinVar (database versions not stated): ESP Exome Variant Server 0.41181; gnomAD 0.42536 and 0.43070; TOPMed 0.43751; 1000 Genomes Project 30x 0.44160; 1000 Genomes Project 0.44209; ExAC 0.47626; gnomAD exomes 0.47676 and 0.48749.
gnomAD v4.1: 760,066 of 1,608,944 alleles (47%); highest among the groups gnomAD compares: East Asian, 71%; 184,694 homozygotes.

Submissions (9):

Genomenon, Inc
Classification: Benign for Familial intrahepatic cholestasis. Last evaluated: 2026-04-14. Review status: criteria provided, single submitter. Criteria: Genomenon Sequence Variant Interpretation Standards - Updated. Collection method: curation. Allele origin: germline. Affected: no.
Comment: ATP8B1 c.698+20C>T is an intronic variant located in intron 8. This variant is present at high allele frequency in population databases. In conclusion, we classify ATP8B1 c.698+20C>T as a benign variant.

Labcorp Genetics (formerly Invitae), Labcorp
Classification: Benign. Last evaluated: 2026-02-04. Review status: criteria provided, single submitter. Criteria: Invitae Variant Classification Sherloc (09022015). Collection method: clinical testing. Allele origin: germline.

Blueprint Genetics
Classification: Benign. Last evaluated: 2024-11-28. Review status: criteria provided, single submitter. Criteria: ACMG Guidelines, 2015. Collection method: clinical testing. Allele origin: germline.

Mayo Clinic Laboratories, Mayo Clinic
Classification: Benign. Last evaluated: 2022-05-05. Review status: criteria provided, single submitter. Criteria: ACMG Guidelines, 2015. Collection method: clinical testing. Allele origin: germline. Observed: 376 variant alleles.

Genome-Nilou Lab
Classification: Benign for Cholestasis, intrahepatic, of pregnancy, 1. Last evaluated: 2021-07-14. Review status: criteria provided, single submitter. Criteria: ACMG Guidelines, 2015. Collection method: clinical testing. Allele origin: germline. Affected: no.

Genome-Nilou Lab
Classification: Benign for Progressive familial intrahepatic cholestasis type 1. Last evaluated: 2021-07-14. Review status: criteria provided, single submitter. Criteria: ACMG Guidelines, 2015. Collection method: clinical testing. Allele origin: germline. Affected: no.

GeneDx
Classification: Benign. Last evaluated: 2015-12-02. Review status: criteria provided, single submitter. Criteria: GeneDx Variant Classification (06012015). Collection method: clinical testing. Allele origin: germline. Affected: yes.
Comment: This variant is considered likely benign or benign based on one or more of the following criteria: it is a conservative change, it occurs at a poorly conserved position in the protein, it is predicted to be benign by multiple in silico algorithms, and/or has population frequency not consistent with disease.

Breakthrough Genomics
Classification: Benign. Review status: criteria provided, single submitter. Criteria: ACMG Guidelines, 2015. Collection method: not provided. Allele origin: germline. Inheritance: Autosomal recessive inheritance. Affected: yes.

PreventionGenetics, part of Exact Sciences
Classification: Benign. Review status: criteria provided, single submitter. Criteria: ACMG Guidelines, 2015. Collection method: clinical testing. Allele origin: germline.